The following is an entry in ClinVar:

NM_052947.4(ALPK2):c.5507G>T (p.Gly1836Val)

Gene: ALPK2 (alpha kinase 2; minus strand). Cytogenetic location: 18q21.31.
Variant type: single nucleotide variant.
Coding change: c.5507G>T on transcript NM_052947.4 (MANE Select); coding-DNA position 5507, G replaced by T.
Protein change: p.Gly1836Val; replaces glycine 1836 with valine.
Molecular consequence: missense variant.
Genome position (GRCh38, 1-based): chr18:58,524,057, C>A on the plus strand (G>T on the coding strand, the complement: ALPK2 is on the minus strand). VCF-style: chr18-58524057-C-A. GRCh37 (hg19) VCF-style: chr18-56191289-C-A.
Other names: short protein forms G1836V.
Identifiers: ClinVar variation 3530558 (VCV003530558.1).
Genomic context (GRCh38, chr18:58,524,057, plus strand): 5'-TAGAGTCCCTGGTCCTTCGGACTGGCTTGCACGATGGCAAAGGAAACAGTGGAGTTGTCC[C>A]CTGCACTGCAATGAGGAATATTCACATTGACACACTTCATCATTCTACAGTTGCATTTTT-3'
Protein context (NP_443179.3, residues 1826-1846): KSIAQVQRSA[Gly1836Val]DNSTVSFAIV

ClinVar aggregate classification (germline): Uncertain significance (1 of 4 stars; one submission).

Submission:

Ambry Genetics
Classification: Uncertain significance. Last evaluated: 2024-06-30. Review status: criteria provided, single submitter. Criteria: Ambry Variant Classification Scheme 2023. Collection method: clinical testing. Allele origin: germline.
Comment: The p.G1836V variant (also known as c.5507G>T), located in coding exon 6 of the ALPK2 gene, results from a G to T substitution at nucleotide position 5507. The glycine at codon 1836 is replaced by valine, an amino acid with dissimilar properties. This amino acid position is conserved. In addition, the in silico prediction for this alteration is inconclusive. Based on the available evidence, the clinical significance of this variant remains unclear.